The following is an entry in ClinVar:

NM_003597.5(KLF11):c.1503G>A (p.Pro501=)

Gene: KLF11 (KLF transcription factor 11; plus strand). Cytogenetic location: 2p25.1.
Variant type: single nucleotide variant.
Coding change: c.1503G>A on transcript NM_003597.5 (MANE Select); coding-DNA position 1503, G replaced by A.
Protein change: p.Pro501=; no amino-acid change (proline 501 retained).
Molecular consequence: synonymous variant.
Genome position (GRCh38, 1-based): chr2:10,052,471, G>A. VCF-style: chr2-10052471-G-A. GRCh37 (hg19) VCF-style: chr2-10192598-G-A.
Other names: c.1452G>A, p.Pro484= (NM_001177716.2, NM_001177718.2).
Identifiers: ClinVar variation 892941 (VCV000892941.10), dbSNP rs36091043, ClinGen allele CA1525803.
Genomic context (GRCh38, chr2:10,052,471, plus strand): 5'-GATCCCAGGCTGGCAGGCAGAGGTTGGCAAGCTGAACAGAATCGCCTCTGCAGAGAGCCC[G>A]GGGAGCCCACTGGTGAGCATGCCAGCCTCTGCCTGAAAGGTCCATTAGGACATCACTCAT-3'
Protein context (NP_003588.1, residues 491-511): KLNRIASAES[Pro501=]GSPLVSMPAS

ClinVar aggregate classification (germline): Likely benign. Review status: criteria provided, multiple submitters, no conflicts (2 of 4 stars). 4 submissions from 4 submitters: Likely benign (4). Last evaluated 2026-01-25.

Conditions:
Maturity-onset diabetes of the young type 7 (MODY7). Identifiers: Orphanet 552, MedGen C1864839, MONDO:0012513, OMIM 610508.

Allele frequency attached by ClinVar (database versions not stated): 1000 Genomes Project 30x 0.00016; 1000 Genomes Project 0.00020; gnomAD 0.00038 and 0.00040; TOPMed 0.00052; ESP Exome Variant Server 0.00069.
gnomAD v4.1: 207 of 1,613,996 alleles (0.013%); highest among the groups gnomAD compares: African/African-American, 0.13%; no homozygotes.

Submissions (4):

Labcorp Genetics (formerly Invitae), Labcorp
Classification: Likely benign. Last evaluated: 2026-01-25. Review status: criteria provided, single submitter. Criteria: Invitae Variant Classification Sherloc (09022015). Collection method: clinical testing. Allele origin: germline.

Blueprint Genetics
Classification: Likely benign. Last evaluated: 2024-06-26. Review status: criteria provided, single submitter. Criteria: ACMG Guidelines, 2015. Collection method: clinical testing. Allele origin: germline.

Fulgent Genetics
Classification: Likely benign for Maturity-onset diabetes of the young type 7. Last evaluated: 2021-09-07. Review status: criteria provided, single submitter. Criteria: ACMG Guidelines, 2015. Collection method: clinical testing. Allele origin: unknown.

Illumina Laboratory Services, Illumina
Classification: Likely benign for Maturity-onset diabetes of the young type 7. Last evaluated: 2018-01-12. Review status: criteria provided, single submitter. Criteria: ICSL Variant Classification Criteria 13 December 2019. Collection method: clinical testing. Allele origin: germline.
Comment: This variant was observed in the ICSL laboratory as part of a predisposition screen in an ostensibly healthy population. It had not been previously curated by ICSL or reported in the Human Gene Mutation Database (HGMD: prior to June 1st, 2018), and was therefore a candidate for classification through an automated scoring system. Utilizing variant allele frequency, disease prevalence and penetrance estimates, and inheritance mode, an automated score was calculated to assess if this variant is too frequent to cause the disease. Based on the score and internal cut-off values, a variant classified as likely benign is not then subjected to further curation. The score for this variant resulted in a classification of likely benign for this disease.